The following is an entry in ClinVar:

NM_004771.4(MMP20):c.409G>A (p.Glu137Lys)

Gene: MMP20 (matrix metallopeptidase 20; minus strand). Cytogenetic location: 11q22.2.
Variant type: single nucleotide variant.
Coding change: c.409G>A on transcript NM_004771.4 (MANE Select); coding-DNA position 409, G replaced by A.
Protein change: p.Glu137Lys; replaces glutamic acid 137 with lysine.
Molecular consequence: missense variant.
Genome position (GRCh38, 1-based): chr11:102,611,869, C>T on the plus strand (G>A on the coding strand, the complement: MMP20 is on the minus strand). VCF-style: chr11-102611869-C-T. GRCh37 (hg19) VCF-style: chr11-102482600-C-T.
Other names: short protein forms E137K.
Identifiers: ClinVar variation 3050989 (VCV003050989.2), dbSNP rs145904752, ClinGen allele CA6248471.
Genomic context (GRCh38, chr11:102,611,869, plus strand): 5'-AGCTCAGAGGGACGGCGCTACTCCAGGCCTGCAAGGCCATCTCCACTGCTTTGTCCACCT[C>T]GACAGAACTCATGGAAGGTGTGTATTTAGATATTCTGTGAAAACGGAAGGAACATGTTTT-3'
Protein context (NP_004762.2, residues 127-147): SKYTPSMSSV[Glu137Lys]VDKAVEMALQ

ClinVar aggregate classification (germline): Likely benign (0 of 4 stars; one submission).

Conditions:
MMP20-related disorder. Also called: MMP20-related condition.

Allele frequency attached by ClinVar (database versions not stated): ExAC 0.00016; 1000 Genomes Project 30x 0.00031; ESP Exome Variant Server 0.00046; TOPMed 0.00047; gnomAD 0.00049.
gnomAD v4.1: 157 of 1,614,130 alleles (0.0097%); highest among the groups gnomAD compares: African/African-American, 0.18%; no homozygotes.

Submission:

PreventionGenetics, part of Exact Sciences
Classification: Likely benign for MMP20-related condition. Last evaluated: 2023-01-05. Review status: no assertion criteria provided. Collection method: clinical testing. Allele origin: germline.
Comment: This variant is classified as likely benign based on ACMG/AMP sequence variant interpretation guidelines (Richards et al. 2015 PMID: 25741868, with internal and published modifications).